The following is an entry in ClinVar:

NM_004385.5(VCAN):c.215A>G (p.Asp72Gly)

Gene: VCAN (versican; plus strand). Cytogenetic location: 5q14.2.
Variant type: single nucleotide variant.
Coding change: c.215A>G on transcript NM_004385.5 (MANE Select); coding-DNA position 215, A replaced by G.
Protein change: p.Asp72Gly; replaces aspartic acid 72 with glycine.
Molecular consequence: missense variant.
Genome position (GRCh38, 1-based): chr5:83,490,242, A>G. VCF-style: chr5-83490242-A-G. GRCh37 (hg19) VCF-style: chr5-82786061-A-G.
Other names: c.215A>G, p.Asp72Gly (NM_001126336.3, NM_001164097.2, NM_001164098.2); short protein forms D72G.
Identifiers: ClinVar variation 1045535 (VCV001045535.8), dbSNP rs963729586, ClinGen allele CA121775330.

ClinVar aggregate classification (germline): Uncertain significance (1 of 4 stars; one submission).

Allele frequency attached by ClinVar (database versions not stated): gnomAD exomes below 0.00001; TOPMed below 0.00001.
gnomAD v4.1: 3 of 1,614,184 alleles (0.00019%); highest among the groups gnomAD compares: Non-Finnish European, 0.00025%; no homozygotes.

Submission:

Labcorp Genetics (formerly Invitae), Labcorp
Classification: Uncertain significance. Last evaluated: 2020-09-17. Review status: criteria provided, single submitter. Criteria: Invitae Variant Classification Sherloc (09022015). Collection method: clinical testing. Allele origin: germline.
Comment: In summary, the available evidence is currently insufficient to determine the role of this variant in disease. Therefore, it has been classified as a Variant of Uncertain Significance. Algorithms developed to predict the effect of missense changes on protein structure and function are either unavailable or do not agree on the potential impact of this missense change (SIFT: "Deleterious"; PolyPhen-2: "Possibly Damaging"; Align-GVGD: "Class C0"). This variant has not been reported in the literature in individuals with VCAN-related conditions. This variant is not present in population databases (ExAC no frequency). This sequence change replaces aspartic acid with glycine at codon 72 of the VCAN protein (p.Asp72Gly). The aspartic acid residue is highly conserved and there is a moderate physicochemical difference between aspartic acid and glycine.